The following is an entry in ClinVar:

ClinVar aggregate classification (germline): Uncertain significance (1 of 4 stars; one submission).

Conditions:
Gastrointestinal stromal tumor. Also called: Gastrointestinal stromal tumor, somatic; Gastrointestinal stroma tumor. Identifiers: Orphanet 44890, MedGen C0238198, MeSH D046152, MONDO:0011719, OMIM 606764, HP:0100723.

Submission:

Labcorp Genetics (formerly Invitae), Labcorp
Classification: Uncertain significance for Gastrointestinal stromal tumor. Last evaluated: 2020-07-12. Review status: criteria provided, single submitter. Criteria: Invitae Variant Classification Sherloc (09022015). Collection method: clinical testing. Allele origin: germline.
Comment: In summary, the available evidence is currently insufficient to determine the role of this variant in disease. Therefore, it has been classified as a Variant of Uncertain Significance. The current clinical and genetic evidence is not sufficient to establish whether loss-of-function variants in PDGFRA cause disease. Experimental studies and prediction algorithms are not available or were not evaluated, and the functional significance of this variant is currently unknown. This variant is an out-of-frame deletion of the genomic region encompassing exon(s) 6-8 of the PDGFRA gene. This is expected to create a premature translational stop signal and result in an absent or disrupted protein product. This variant has not been reported in the literature in individuals with PDGFRA-related conditions.

NC_000004.11:g.(?_55133446)_(55136925_?)del

Gene: PDGFRA (platelet derived growth factor receptor alpha; plus strand). Cytogenetic location: 4q12.
Variant type: Deletion.
Identifiers: ClinVar variation 1003959 (VCV001003959.3).